The following is an entry in ClinVar:

ClinVar aggregate classification (germline): Uncertain significance (1 of 4 stars; one submission).

Conditions:
Vici syndrome (VICIS). Identifiers: Orphanet 1493, MedGen C1855772, MONDO:0009452, OMIM 242840.

Allele frequency attached by ClinVar (database versions not stated): gnomAD exomes 0.00001.
gnomAD v4.1: 5 of 1,614,098 alleles (0.00031%); highest among the groups gnomAD compares: Non-Finnish European, 0.00042%; no homozygotes.

Submission:

Labcorp Genetics (formerly Invitae), Labcorp
Classification: Uncertain significance for Vici syndrome. Last evaluated: 2019-08-18. Review status: criteria provided, single submitter. Criteria: Invitae Variant Classification Sherloc (09022015). Collection method: clinical testing. Allele origin: germline.
Comment: In summary, the available evidence is currently insufficient to determine the role of this variant in disease. Therefore, it has been classified as a Variant of Uncertain Significance. Algorithms developed to predict the effect of sequence changes on RNA splicing suggest that this variant may create or strengthen a splice site, but this prediction has not been confirmed by published transcriptional studies. Algorithms developed to predict the effect of missense changes on protein structure and function are either unavailable or do not agree on the potential impact of this missense change (SIFT: "Tolerated"; PolyPhen-2: "Probably Damaging"; Align-GVGD: "Class C0"). This variant has not been reported in the literature in individuals with EPG5-related conditions. This variant is not present in population databases (ExAC no frequency). This sequence change replaces arginine with glycine at codon 606 of the EPG5 protein (p.Arg606Gly). The arginine residue is weakly conserved and there is a moderate physicochemical difference between arginine and glycine.

NM_020964.3(EPG5):c.1816A>G (p.Arg606Gly)

Gene: EPG5 (ectopic P-granules 5 autophagy tethering factor; minus strand). Cytogenetic location: 18q21.1.
Variant type: single nucleotide variant.
Coding change: c.1816A>G on transcript NM_020964.3 (MANE Select); coding-DNA position 1816, A replaced by G.
Protein change: p.Arg606Gly; replaces arginine 606 with glycine.
Molecular consequence: missense variant.
Genome position (GRCh38, 1-based): chr18:45,943,288, T>C on the plus strand (A>G on the coding strand, the complement: EPG5 is on the minus strand). VCF-style: chr18-45943288-T-C. GRCh37 (hg19) VCF-style: chr18-43523254-T-C.
Other names: short protein forms R606G.
Identifiers: ClinVar variation 955021 (VCV000955021.10), dbSNP rs2050711394, ClinGen allele CA402348506.